The following is an entry in ClinVar:

NM_000388.4(CASR):c.1124G>T (p.Arg375Ile)

Gene: CASR (calcium sensing receptor; plus strand). Cytogenetic location: 3q21.1.
Variant type: single nucleotide variant.
Coding change: c.1124G>T on transcript NM_000388.4 (MANE Select); coding-DNA position 1124, G replaced by T.
Protein change: p.Arg375Ile; replaces arginine 375 with isoleucine.
Molecular consequence: missense variant.
Genome position (GRCh38, 1-based): chr3:122,262,159, G>T. VCF-style: chr3-122262159-G-T. GRCh37 (hg19) VCF-style: chr3-121981006-G-T.
Other names: c.1124G>T, p.Arg375Ile (NM_001178065.2); short protein forms R375I.
Identifiers: ClinVar variation 858237 (VCV000858237.11), dbSNP rs760190284, ClinGen allele CA354152638.

ClinVar aggregate classification (germline): Uncertain significance (1 of 4 stars; one submission).

Conditions:
Autosomal dominant hypocalcemia 1 (HYPOC1). Also called: HYPOCALCEMIA, FAMILIAL. Identifiers: MedGen C3715128, MONDO:0011013, OMIM 601198.
Familial hypocalciuric hypercalcemia (FHH). Also called: Familial benign hypercalcemia. Identifiers: Orphanet 405, MedGen C1809471, MONDO:0018458.

Submission:

Labcorp Genetics (formerly Invitae), Labcorp
Classification: Uncertain significance for Familial hypocalciuric hypercalcemia; Autosomal dominant hypocalcemia 1. Last evaluated: 2019-12-27. Review status: criteria provided, single submitter. Criteria: Invitae Variant Classification Sherloc (09022015). Collection method: clinical testing. Allele origin: germline.
Comment: In summary, the available evidence is currently insufficient to determine the role of this variant in disease. Therefore, it has been classified as a Variant of Uncertain Significance. Algorithms developed to predict the effect of missense changes on protein structure and function are either unavailable or do not agree on the potential impact of this missense change (SIFT: "Deleterious"; PolyPhen-2: "Benign"; Align-GVGD: "Class C0"). This variant has not been reported in the literature in individuals with CASR-related conditions. This variant is not present in population databases (ExAC no frequency). This sequence change replaces arginine with isoleucine at codon 375 of the CASR protein (p.Arg375Ile). The arginine residue is highly conserved and there is a moderate physicochemical difference between arginine and isoleucine.